The following is an entry in ClinVar:

NM_006915.3(RP2):c.155G>A (p.Arg52His)

Gene: RP2 (RP2 activator of ARL3 GTPase; plus strand). Cytogenetic location: Xp11.3.
Variant type: single nucleotide variant.
Coding change: c.155G>A on transcript NM_006915.3 (MANE Select); coding-DNA position 155, G replaced by A.
Protein change: p.Arg52His; replaces arginine 52 with histidine.
Molecular consequence: missense variant.
Genome position (GRCh38, 1-based): chrX:46,853,528, G>A. VCF-style: chrX-46853528-G-A. GRCh37 (hg19) VCF-style: chrX-46712963-G-A.
Other names: short protein forms R52H.
Identifiers: ClinVar variation 1474953 (VCV001474953.7), dbSNP rs782127844, ClinGen allele CA10394186.
Genomic context (GRCh38, chrX:46,853,528, plus strand): 5'-TCCTGCAGGTTGATCCAAAAGACTACATGTTCAGTGGACTGAAGGATGAAACAGTAGGTC[G>A]CTTACCTGGGACGGTAGCAGGACAACAGTTTCTCATTCAAGACTGTGAGAACTGTAACAT-3'
Protein context (NP_008846.2, residues 42-62): FSGLKDETVG[Arg52His]LPGTVAGQQF

ClinVar aggregate classification (germline): Uncertain significance. Review status: criteria provided, multiple submitters, no conflicts (2 of 4 stars). 2 submissions from 2 submitters: Uncertain significance (2). Last evaluated 2024-12-13.

Allele frequency attached by ClinVar (database versions not stated): gnomAD 0.00001; TOPMed 0.00001; ExAC 0.00002; gnomAD exomes 0.00002.
gnomAD v4.1: 22 of 1,208,841 alleles (0.0018%); highest among the groups gnomAD compares: Non-Finnish European, 0.0022%; no homozygotes.

Submissions (2):

Labcorp Genetics (formerly Invitae), Labcorp
Classification: Uncertain significance. Last evaluated: 2024-12-13. Review status: criteria provided, single submitter. Criteria: Invitae Variant Classification Sherloc (09022015). Collection method: clinical testing. Allele origin: germline.
Comment: This sequence change replaces arginine, which is basic and polar, with histidine, which is basic and polar, at codon 52 of the RP2 protein (p.Arg52His). This variant is present in population databases (rs782127844, gnomAD 0.005%), including at least one homozygous and/or hemizygous individual. This variant has not been reported in the literature in individuals affected with RP2-related conditions. ClinVar contains an entry for this variant (Variation ID: 1474953). Invitae Evidence Modeling of protein sequence and biophysical properties (such as structural, functional, and spatial information, amino acid conservation, physicochemical variation, residue mobility, and thermodynamic stability) has been performed for this missense variant. However, the output from this modeling did not meet the statistical confidence thresholds required to predict the impact of this variant on RP2 protein function. In summary, the available evidence is currently insufficient to determine the role of this variant in disease. Therefore, it has been classified as a Variant of Uncertain Significance.

Blueprint Genetics
Classification: Uncertain significance. Last evaluated: 2024-01-11. Review status: criteria provided, single submitter. Criteria: ACMG Guidelines, 2015. Collection method: clinical testing. Allele origin: germline.